The following is an entry in ClinVar:

ClinVar aggregate classification (germline): Uncertain significance. Review status: criteria provided, multiple submitters, no conflicts (2 of 4 stars). 2 submissions from 2 submitters: Uncertain significance (2). Last evaluated 2025-12-13.

Conditions:
Generalized epilepsy with febrile seizures plus, type 9 (GEFSP9). Also called: GEFS+, TYPE 9. Identifiers: Orphanet 36387, MedGen C4015395, MONDO:0014517, OMIM 616172.

Submissions (2):

Labcorp Genetics (formerly Invitae), Labcorp
Classification: Uncertain significance for Generalized epilepsy with febrile seizures plus, type 9. Last evaluated: 2025-12-13. Review status: criteria provided, single submitter. Criteria: Invitae Variant Classification Sherloc (09022015). Collection method: clinical testing. Allele origin: germline.
Comment: This sequence change replaces aspartic acid, which is acidic and polar, with valine, which is neutral and non-polar, at codon 146 of the STX1B protein (p.Asp146Val). This variant is not present in population databases (gnomAD no frequency). This variant has not been reported in the literature in individuals affected with STX1B-related conditions. Invitae Evidence Modeling of protein sequence and biophysical properties (such as structural, functional, and spatial information, amino acid conservation, physicochemical variation, residue mobility, and thermodynamic stability) indicates that this missense variant is not expected to disrupt STX1B protein function with a negative predictive value of 80%. Algorithms developed to predict the effect of sequence changes on RNA splicing suggest that this variant may create or strengthen a splice site. In summary, the available evidence is currently insufficient to determine the role of this variant in disease. Therefore, it has been classified as a Variant of Uncertain Significance.

Blueprint Genetics
Classification: Uncertain significance. Last evaluated: 2024-02-29. Review status: criteria provided, single submitter. Criteria: ACMG Guidelines, 2015. Collection method: clinical testing. Allele origin: germline.

NM_052874.5(STX1B):c.437A>T (p.Asp146Val)

Gene: STX1B (syntaxin 1B; minus strand). Cytogenetic location: 16p11.2.
Variant type: single nucleotide variant.
Coding change: c.437A>T on transcript NM_052874.5 (MANE Select); coding-DNA position 437, A replaced by T.
Protein change: p.Asp146Val; replaces aspartic acid 146 with valine.
Molecular consequence: missense variant.
Genome position (GRCh38, 1-based): chr16:30,996,977, T>A on the plus strand (A>T on the coding strand, the complement: STX1B is on the minus strand). VCF-style: chr16-30996977-T-A. GRCh37 (hg19) VCF-style: chr16-31008298-T-A.
Other names: short protein forms D146V.
Identifiers: ClinVar variation 4746120 (VCV004746120.2).
Genomic context (GRCh38, chr16:30,996,977, plus strand): 5'-GAGTTCGGGGTCCTGGGGTGGGGGGCACACGCACTGATCTCCAGTTGCCGCTGGATCCGG[T>A]CCTTGCAGCGGTCCCGGTACTTGGACTGGGTCGCGTTATATTCGGTCATTACCTCCACGA-3'
Protein context (NP_443106.1, residues 136-156): TQSKYRDRCK[Asp146Val]RIQRQLEITG